The following is an entry in ClinVar:

ClinVar aggregate classification (germline): Benign/Likely benign. Review status: criteria provided, multiple submitters, no conflicts (2 of 4 stars). 5 submissions from 5 submitters: Benign (1); Likely benign (4). Last evaluated 2026-05-08.

Conditions:
Hereditary nonpolyposis colorectal neoplasms. Identifiers: MedGen C0009405, MeSH D003123.
Hereditary cancer-predisposing syndrome. Also called: Neoplastic Syndromes, Hereditary; Tumor predisposition; Hereditary Cancer Syndrome; Hereditary neoplastic syndrome. Identifiers: Orphanet 140162, MedGen C0027672, MeSH D009386, MONDO:0015356.
Lynch syndrome 4 (LYNCH4). Also called: Colorectal cancer, hereditary nonpolyposis, type 4; Hereditary non-polyposis colorectal cancer, type 4. Identifiers: Orphanet 144, MedGen C1838333, MONDO:0013699, OMIM 614337. Disease mechanism: loss of function.

Submissions (5):

Women's Health and Genetics/Laboratory Corporation of America, LabCorp
Classification: Likely benign. Last evaluated: 2026-05-08. Review status: criteria provided, single submitter. Criteria: LabCorp Variant Classification Summary - May 2015. Collection method: clinical testing. Allele origin: germline.

Labcorp Genetics (formerly Invitae), Labcorp
Classification: Likely benign for Hereditary nonpolyposis colorectal neoplasms. Last evaluated: 2026-01-19. Review status: criteria provided, single submitter. Criteria: Invitae Variant Classification Sherloc (09022015). Collection method: clinical testing. Allele origin: germline.

Myriad Genetics, Inc.
Classification: Benign for Lynch syndrome 4. Last evaluated: 2025-02-03. Review status: criteria provided, single submitter. Criteria: Myriad Autosomal Dominant, Autosomal Recessive and X-Linked Classification Criteria (2023). Collection method: clinical testing. Allele origin: unknown.
Comment: This variant is considered benign. This variant is a silent/synonymous amino acid change and it is not expected to impact splicing.

Ambry Genetics
Classification: Likely benign for Hereditary cancer-predisposing syndrome. Last evaluated: 2022-04-02. Review status: criteria provided, single submitter. Criteria: Ambry Variant Classification Scheme 2023. Collection method: clinical testing. Allele origin: germline.

Color Diagnostics, LLC DBA Color Health
Classification: Likely benign for Hereditary cancer-predisposing syndrome. Last evaluated: 2022-01-25. Review status: criteria provided, single submitter. Criteria: ACMG Guidelines, 2015. Collection method: clinical testing. Allele origin: germline.

NM_000535.7(PMS2):c.2067C>A (p.Thr689=)

Gene: PMS2 (PMS1 homolog 2, mismatch repair system component; minus strand). Cytogenetic location: 7p22.1.
Variant type: single nucleotide variant.
Coding change: c.2067C>A on transcript NM_000535.7 (MANE Select); coding-DNA position 2067, C replaced by A.
Protein change: p.Thr689=; no amino-acid change (threonine 689 retained).
Molecular consequence: synonymous variant. On other transcripts: non-coding transcript variant (1).
Genome position (GRCh38, 1-based): chr7:5,982,931, G>T on the plus strand (C>A on the coding strand, the complement: PMS2 is on the minus strand). VCF-style: chr7-5982931-G-T. GRCh37 (hg19) VCF-style: chr7-6022562-G-T.
Other names: c.1662C>A, p.Thr554= (NM_001322003.2, NM_001322004.2, NM_001322005.2 and 1 more transcripts); c.1911C>A, p.Thr637= (NM_001322006.2); c.1749C>A, p.Thr583= (NM_001322007.2, NM_001322008.2); c.1506C>A, p.Thr502= (NM_001322010.2); c.1134C>A, p.Thr378= (NM_001322011.2, NM_001322012.2); c.1494C>A, p.Thr498= (NM_001322013.2); c.2067C>A, p.Thr689= (NM_001322014.2); c.1758C>A, p.Thr586= (NM_001322015.2).
Identifiers: ClinVar variation 698224 (VCV000698224.16), dbSNP rs1583299269, ClinGen allele CA453643419.